The following is an entry in ClinVar:

ClinVar aggregate classification (germline): Uncertain significance. Review status: criteria provided, multiple submitters, no conflicts (2 of 4 stars). 3 submissions from 3 submitters: Uncertain significance (3). Last evaluated 2025-07-30.

Conditions:
Cardiovascular phenotype. Identifiers: MedGen CN230736.
Hypertrophic cardiomyopathy. Also called: HYPERTROPHIC MYOCARDIOPATHY. Identifiers: Orphanet 217569, MedGen C0007194, MeSH D002312, MONDO:0005045, HP:0001639.

Submissions (3):

Labcorp Genetics (formerly Invitae), Labcorp
Classification: Uncertain significance for Hypertrophic cardiomyopathy. Last evaluated: 2025-07-30. Review status: criteria provided, single submitter. Criteria: Invitae Variant Classification Sherloc (09022015). Collection method: clinical testing. Allele origin: germline.
Comment: This sequence change replaces aspartic acid, which is acidic and polar, with alanine, which is neutral and non-polar, at codon 928 of the MYH7 protein (p.Asp928Ala). This variant is not present in population databases (gnomAD no frequency). This missense change has been observed in individual(s) with MYH7-related conditiions (PMID: 27532257, 37652022). ClinVar contains an entry for this variant (Variation ID: 178947). Invitae Evidence Modeling of protein sequence and biophysical properties (such as structural, functional, and spatial information, amino acid conservation, physicochemical variation, residue mobility, and thermodynamic stability) indicates that this missense variant is expected to disrupt MYH7 protein function with a positive predictive value of 95%. This variant disrupts the p.Asp928 amino acid residue in MYH7. Other variant(s) that disrupt this residue have been determined to be pathogenic (PMID: 19666645, 27247418, 31323898). This suggests that this residue is clinically significant, and that variants that disrupt this residue are likely to be disease-causing. In summary, the available evidence is currently insufficient to determine the role of this variant in disease. Therefore, it has been classified as a Variant of Uncertain Significance.

Ambry Genetics
Classification: Uncertain significance for Cardiovascular phenotype. Last evaluated: 2017-09-06. Review status: criteria provided, single submitter. Criteria: Ambry Variant Classification Scheme 2023. Collection method: clinical testing. Allele origin: germline.
Comment: The p.D928A variant (also known as c.2783A>C), located in coding exon 21 of the MYH7 gene, results from an A to C substitution at nucleotide position 2783. The aspartic acid at codon 928 is replaced by alanine, an amino acid with dissimilar properties. This alteration has been reported in a hypertrophic cardiomyopathy (HCM) cohort; however, clinical details were limited (Walsh R et al. Genet. Med., 2017 Feb;19:192-203). Other alterations affecting this amino acid (p.D928G, p.D928N, and p.D928V) have been reported in individuals with HCM (Erdmann J et al. Clin Genet. 2003 Oct;64(4):339-49; Michels M. Eur. Heart J. 2009 Nov;30(21):2593-8; Lopes LR et al. Heart, 2015 Feb;101:294-301). This amino acid position is highly conserved in available vertebrate species. In addition, this alteration is predicted to be deleterious by in silico analysis. Since supporting evidence is limited at this time, the clinical significance of this alteration remains unclear.

Laboratory for Molecular Medicine, Mass General Brigham Personalized Medicine
Classification: Uncertain significance. Last evaluated: 2013-05-03. Review status: criteria provided, single submitter. Criteria: LMM Criteria. Collection method: clinical testing. Allele origin: germline. Observed: 1 variant allele.
Comment: The Asp928Ala variant in MYH7 has been reported in 1 individual with HCM as well as 3 asymptomatic relatives (Michels 2009) and was not identified in large popu lation studies. Another variant at this pos ition (Asp928Asn) has been reported in individuals with HCM (Erdman 2003, Gimeno 2009, Perrot 2005), suggesting that a change at this position may not be tolera ted. Computational analyses (biochemical amino acid properties, conservation, A lignGVGD, PolyPhen2, and SIFT) suggest that the Asp928Ala variant may impact the protein, though this information is not predictive enough to determine pathogen icity. Additional information is needed to fully assess the clinical significan ce of the Asp928Ala variant.

Literature cited by the submitters: PubMed 27532257 (cited by Labcorp Genetics (formerly Invitae), Labcorp and Ambry Genetics); PubMed 37652022 (cited by Labcorp Genetics (formerly Invitae), Labcorp); PubMed 19666645 (cited by 3 submitters); PubMed 27247418 (cited by Labcorp Genetics (formerly Invitae), Labcorp); PubMed 31323898 (cited by Labcorp Genetics (formerly Invitae), Labcorp); PubMed 12974739 (cited by Ambry Genetics); PubMed 25351510 (cited by Ambry Genetics).

NM_000257.4(MYH7):c.2783A>C (p.Asp928Ala)

Gene: MYH7 (myosin heavy chain 7; minus strand). Cytogenetic location: 14q11.2.
Variant type: single nucleotide variant.
Coding change: c.2783A>C on transcript NM_000257.4 (MANE Select); coding-DNA position 2783, A replaced by C.
Protein change: p.Asp928Ala; replaces aspartic acid 928 with alanine.
Molecular consequence: missense variant.
Genome position (GRCh38, 1-based): chr14:23,424,046, T>G on the plus strand (A>C on the coding strand, the complement: MYH7 is on the minus strand). VCF-style: chr14-23424046-T-G. GRCh37 (hg19) VCF-style: chr14-23893255-T-G.
Other names: short protein forms D928A.
Identifiers: ClinVar variation 178947 (VCV000178947.7), dbSNP rs727504558, ClinGen allele CA013057.
Genomic context (GRCh38, chr14:23,424,046, plus strand): 5'-GAGCACTCATCTTCCAGCTTGCGCTTCTTGGCAGTGAGCTCAGCATTCATCTCCTCCTCA[T>G]CCTCCAGCCTCTCGTTCATCTCCTTCACCTTGGCCTCCAGCTGAATCTTGTTTTTGATCA-3'
Protein context (NP_000248.2, residues 918-938): KVKEMNERLE[Asp928Ala]EEEMNAELTA